The following is an entry in ClinVar:

ClinVar aggregate classification (germline): Uncertain significance. Review status: criteria provided, multiple submitters, no conflicts (2 of 4 stars). 2 submissions from 2 submitters: Uncertain significance (2). Last evaluated 2025-10-08.

Conditions:
Myofibrillar myopathy 5. Also called: Filaminopathy (type); FILAMINOPATHY, AUTOSOMAL DOMINANT. Identifiers: Orphanet 171445, MedGen C1836050, MONDO:0012289, OMIM 609524.
Distal myopathy with posterior leg and anterior hand involvement. Also called: WILLIAMS DISTAL MYOPATHY. Identifiers: Orphanet 63273, MedGen C3279722, MONDO:0013550, OMIM 614065.
Hypertrophic cardiomyopathy 26. Also called: Cardiomyopathy, familial hypertrophic, 26. Identifiers: Orphanet 75249, MedGen C4310749, MONDO:0014883, OMIM 617047.

Submissions (2):

Labcorp Genetics (formerly Invitae), Labcorp
Classification: Uncertain significance for Distal myopathy with posterior leg and anterior hand involvement; Myofibrillar myopathy 5; Hypertrophic cardiomyopathy 26. Last evaluated: 2025-10-08. Review status: criteria provided, single submitter. Criteria: Invitae Variant Classification Sherloc (09022015). Collection method: clinical testing. Allele origin: germline.
Comment: This sequence change replaces lysine, which is basic and polar, with arginine, which is basic and polar, at codon 823 of the FLNC protein (p.Lys823Arg). This variant is not present in population databases (gnomAD no frequency). This variant has not been reported in the literature in individuals affected with FLNC-related conditions. ClinVar contains an entry for this variant (Variation ID: 1205831). Invitae Evidence Modeling of protein sequence and biophysical properties (such as structural, functional, and spatial information, amino acid conservation, physicochemical variation, residue mobility, and thermodynamic stability) has been performed for this missense variant. However, the output from this modeling did not meet the statistical confidence thresholds required to predict the impact of this variant on FLNC protein function. In summary, the available evidence is currently insufficient to determine the role of this variant in disease. Therefore, it has been classified as a Variant of Uncertain Significance.

GeneDx
Classification: Uncertain significance. Last evaluated: 2019-06-07. Review status: criteria provided, single submitter. Criteria: GeneDx Variant Classification Process June 2021. Collection method: clinical testing. Allele origin: germline. Affected: yes.
Comment: Not observed in large population cohorts (Lek et al., 2016); In silico analysis, which includes protein predictors and evolutionary conservation, supports that this variant does not alter protein structure/function; Has not been previously published as pathogenic or benign to our knowledge

NM_001458.5(FLNC):c.2468A>G (p.Lys823Arg)

Gene: FLNC (filamin C; plus strand). Cytogenetic location: 7q32.1.
Variant type: single nucleotide variant.
Coding change: c.2468A>G on transcript NM_001458.5 (MANE Select); coding-DNA position 2468, A replaced by G.
Protein change: p.Lys823Arg; replaces lysine 823 with arginine.
Molecular consequence: missense variant.
Genome position (GRCh38, 1-based): chr7:128,842,872, A>G. VCF-style: chr7-128842872-A-G. GRCh37 (hg19) VCF-style: chr7-128482926-A-G.
Other names: c.2468A>G, p.Lys823Arg (NM_001127487.2); short protein forms K823R.
Identifiers: ClinVar variation 1205831 (VCV001205831.4), dbSNP rs2128935776, ClinGen allele CA369191684.